The following is an entry in ClinVar:

ClinVar aggregate classification (germline): Uncertain significance. Review status: criteria provided, single submitter (1 of 4 stars). 2 submissions from 2 submitters: Uncertain significance (1). 1 of the submissions does not count toward it. Last evaluated 2022-08-19.

Conditions:
3-methylcrotonyl-CoA carboxylase 2 deficiency. Also called: METHYLCROTONYLGLYCINURIA, TYPE II; 3 alpha methylcrotonyl-CoA carboxylase 2 deficiency; 3 alpha methylcrotonylglycinuria 2; MCC 2 deficiency; Methylcrotonylglycinuria type 2. Identifiers: Orphanet 6, MedGen C1859499, MONDO:0008862, OMIM 210210.

Allele frequency attached by ClinVar (database versions not stated): gnomAD exomes 0.00001 and 0.00002; ExAC 0.00002; ESP Exome Variant Server 0.00008; TOPMed 0.00009; gnomAD 0.00011 and 0.00012.
gnomAD v4.1: 27 of 1,610,976 alleles (0.0017%); highest among the groups gnomAD compares: African/African-American, 0.028%; no homozygotes.

Submissions (2):

Labcorp Genetics (formerly Invitae), Labcorp
Classification: Uncertain significance for 3-methylcrotonyl-CoA carboxylase 2 deficiency. Last evaluated: 2022-08-19. Review status: criteria provided, single submitter. Criteria: Invitae Variant Classification Sherloc (09022015). Collection method: clinical testing. Allele origin: germline.
Comment: This sequence change replaces tyrosine, which is neutral and polar, with cysteine, which is neutral and slightly polar, at codon 46 of the MCCC2 protein (p.Tyr46Cys). This variant is present in population databases (rs144578800, gnomAD 0.03%). This variant has not been reported in the literature in individuals affected with MCCC2-related conditions. ClinVar contains an entry for this variant (Variation ID: 933444). Advanced modeling of protein sequence and biophysical properties (such as structural, functional, and spatial information, amino acid conservation, physicochemical variation, residue mobility, and thermodynamic stability) performed at Invitae indicates that this missense variant is expected to disrupt MCCC2 protein function. In summary, the available evidence is currently insufficient to determine the role of this variant in disease. Therefore, it has been classified as a Variant of Uncertain Significance.

Natera, Inc.
Classification: Uncertain significance for 3-methylcrotonyl-CoA carboxylase 2 deficiency. Last evaluated: 2021-05-31. Review status: no assertion criteria provided. Collection method: clinical testing. Allele origin: germline. Not counted in ClinVar's aggregate classification.

NM_022132.5(MCCC2):c.137A>G (p.Tyr46Cys)

Gene: MCCC2 (methylcrotonyl-CoA carboxylase subunit 2; plus strand). Cytogenetic location: 5q13.2.
Variant type: single nucleotide variant.
Coding change: c.137A>G on transcript NM_022132.5 (MANE Select); coding-DNA position 137, A replaced by G.
Protein change: p.Tyr46Cys; replaces tyrosine 46 with cysteine.
Molecular consequence: missense variant.
Genome position (GRCh38, 1-based): chr5:71,592,933, A>G. VCF-style: chr5-71592933-A-G. GRCh37 (hg19) VCF-style: chr5-70888760-A-G.
Other names: c.137A>G, p.Tyr46Cys (NM_001363147.1); short protein forms Y46C.
Identifiers: ClinVar variation 933444 (VCV000933444.8), dbSNP rs144578800, ClinGen allele CA3297673.